The following is an entry in ClinVar:

ClinVar aggregate classification (germline): Pathogenic/Likely pathogenic. Review status: criteria provided, multiple submitters, no conflicts (2 of 4 stars). 5 submissions from 5 submitters: Pathogenic (3); Likely pathogenic (1). 1 of the submissions does not count toward it. Last evaluated 2025-11-15.

Conditions:
Craniofrontonasal syndrome (CFNS). Also called: CRANIOFRONTONASAL DYSOSTOSIS. Identifiers: Orphanet 1520, MedGen C0220767, MONDO:0010570, OMIM 304110.

Submissions (5):

GeneDx
Classification: Pathogenic. Last evaluated: 2025-11-15. Review status: criteria provided, single submitter. Criteria: GeneDx Variant Classification Process June 2021. Collection method: clinical testing. Allele origin: germline. Affected: yes.
Comment: Segregates with disease in affected individuals from several unrelated families with features of EFNB1-related craniofrontonasal dysplasia (PMID: 15124102, 31837199, 16685650); note this variant has been listed using alternate c. nomenclature (c.862C>T) in PMID: 15124102; Published functional studies demonstrate a damaging effect (PMID: 20565770); Not observed at significant frequency in large population cohorts (gnomAD); In silico analysis supports that this missense variant has a deleterious effect on protein structure/function; This variant is associated with the following publications: (PMID: 18043713, 31837199, 15124102, 20565770, 16685650)

Labcorp Genetics (formerly Invitae), Labcorp
Classification: Pathogenic. Last evaluated: 2024-11-02. Review status: criteria provided, single submitter. Criteria: Invitae Variant Classification Sherloc (09022015). Collection method: clinical testing. Allele origin: germline.
Comment: This sequence change replaces proline, which is neutral and non-polar, with leucine, which is neutral and non-polar, at codon 54 of the EFNB1 protein (p.Pro54Leu). This variant is not present in population databases (gnomAD no frequency). This missense change has been observed in individuals with craniofrontonasal syndrome (PMID: 15124102, 16685650, 18043713, 31837199). It has also been observed to segregate with disease in related individuals. This variant is also known as 862C>T. ClinVar contains an entry for this variant (Variation ID: 11708). Invitae Evidence Modeling of protein sequence and biophysical properties (such as structural, functional, and spatial information, amino acid conservation, physicochemical variation, residue mobility, and thermodynamic stability) indicates that this missense variant is expected to disrupt EFNB1 protein function with a positive predictive value of 80%. Experimental studies have shown that this missense change affects EFNB1 function (PMID: 20565770). For these reasons, this variant has been classified as Pathogenic.

Greenwood Genetic Center Diagnostic Laboratories, Greenwood Genetic Center
Classification: Pathogenic for Craniofrontonasal syndrome. Last evaluated: 2022-06-27. Review status: criteria provided, single submitter. Criteria: ACMG Guidelines, 2015. Collection method: clinical testing. Allele origin: germline. Affected: yes.
Comment: PS3, PS4_Supporting, PM1, PM2, PM5_Supporting, PP3

Department of Medical Genetics, Oslo University Hospital
Classification: Likely pathogenic for Craniofrontonasal syndrome. Review status: criteria provided, single submitter. Criteria: ACMG Guidelines, 2015. Collection method: clinical testing. Allele origin: germline. Affected: yes. Observed: 1 variant allele, 1 heterozygote.

OMIM
Classification: Pathogenic for CRANIOFRONTONASAL SYNDROME. Last evaluated: 2004-06-01. Review status: no assertion criteria provided. Collection method: literature only. Allele origin: germline. Not counted in ClinVar's aggregate classification.

Literature cited by the submitters: PubMed 15124102 (cited by Labcorp Genetics (formerly Invitae), Labcorp and OMIM); PubMed 16685650 (cited by Labcorp Genetics (formerly Invitae), Labcorp); PubMed 18043713 (cited by Labcorp Genetics (formerly Invitae), Labcorp); PubMed 31837199 (cited by Labcorp Genetics (formerly Invitae), Labcorp); PubMed 20565770 (cited by Labcorp Genetics (formerly Invitae), Labcorp).

NM_004429.5(EFNB1):c.161C>T (p.Pro54Leu)

Gene: EFNB1 (ephrin B1; plus strand). Cytogenetic location: Xq13.1.
Variant type: single nucleotide variant.
Coding change: c.161C>T on transcript NM_004429.5 (MANE Select); coding-DNA position 161, C replaced by T.
Protein change: p.Pro54Leu; replaces proline 54 with leucine.
Molecular consequence: missense variant.
Genome position (GRCh38, 1-based): chrX:68,838,649, C>T. VCF-style: chrX-68838649-C-T. GRCh37 (hg19) VCF-style: chrX-68058492-C-T.
Other names: short protein forms P54L.
Identifiers: ClinVar variation 11708 (VCV000011708.14), dbSNP rs104894801, ClinGen allele CA121633.
Genomic context (GRCh38, chrX:68,838,649, plus strand): 5'-GGCTGACCATCTTCTTCCTTCTGGGCAGGTTCCTGAGTGGGAAGGGCTTGGTGATCTATC[C>T]GAAAATTGGAGACAAGCTGGACATCATCTGCCCCCGAGCAGAAGCAGGGCGGCCCTATGA-3'
Protein context (NP_004420.1, residues 44-64): FLSGKGLVIY[Pro54Leu]KIGDKLDIIC